The following is an entry in ClinVar:

NM_004523.4(KIF11):c.734T>C (p.Met245Thr)

Gene: KIF11 (kinesin family member 11; plus strand). Cytogenetic location: 10q23.33.
Variant type: single nucleotide variant.
Coding change: c.734T>C on transcript NM_004523.4 (MANE Select); coding-DNA position 734, T replaced by C.
Protein change: p.Met245Thr; replaces methionine 245 with threonine.
Molecular consequence: missense variant.
Genome position (GRCh38, 1-based): chr10:92,613,075, T>C. VCF-style: chr10-92613075-T-C. GRCh37 (hg19) VCF-style: chr10-94372832-T-C.
Other names: short protein forms M245T.
Identifiers: ClinVar variation 3621445 (VCV003621445.2).

ClinVar aggregate classification (germline): Uncertain significance (1 of 4 stars; one submission).

gnomAD v4.1: 10 of 1,612,176 alleles (0.00062%); highest among the groups gnomAD compares: Non-Finnish European, 0.00076%; no homozygotes.

Submission:

Labcorp Genetics (formerly Invitae), Labcorp
Classification: Uncertain significance. Last evaluated: 2024-03-07. Review status: criteria provided, single submitter. Criteria: Invitae Variant Classification Sherloc (09022015). Collection method: clinical testing. Allele origin: germline.
Comment: This sequence change replaces methionine, which is neutral and non-polar, with threonine, which is neutral and polar, at codon 245 of the KIF11 protein (p.Met245Thr). This variant is not present in population databases (gnomAD no frequency). This variant has not been reported in the literature in individuals affected with KIF11-related conditions. Advanced modeling of protein sequence and biophysical properties (such as structural, functional, and spatial information, amino acid conservation, physicochemical variation, residue mobility, and thermodynamic stability) performed at Invitae indicates that this missense variant is not expected to disrupt KIF11 protein function with a negative predictive value of 80%. In summary, the available evidence is currently insufficient to determine the role of this variant in disease. Therefore, it has been classified as a Variant of Uncertain Significance.